The following is an entry in ClinVar:

NM_003637.5(ITGA10):c.1632C>A (p.Pro544=)

Gene: ITGA10 (integrin subunit alpha 10; minus strand). Cytogenetic location: 1q21.1.
Variant type: single nucleotide variant.
Coding change: c.1632C>A on transcript NM_003637.5 (MANE Select); coding-DNA position 1632, C replaced by A.
Protein change: p.Pro544=; no amino-acid change (proline 544 retained).
Molecular consequence: synonymous variant.
Genome position (GRCh38, 1-based): chr1:145,900,949, G>T on the plus strand (C>A on the coding strand, the complement: ITGA10 is on the minus strand). VCF-style: chr1-145900949-G-T. GRCh37 (hg19) VCF-style: chr1-145534127-C-A.
Other names: c.1239C>A, p.Pro413= (NM_001303040.2); c.1203C>A, p.Pro401= (NM_001303041.2).
Identifiers: ClinVar variation 2639111 (VCV002639111.24), dbSNP rs375059707, ClinGen allele CA420242309.

ClinVar aggregate classification (germline): Likely benign (1 of 4 stars; one submission).

gnomAD v4.1: 4 of 1,614,118 alleles (0.00025%); highest among the groups gnomAD compares: South Asian, 0.0044%; no homozygotes.

Submission:

CeGaT Center for Human Genetics Tuebingen
Classification: Likely benign. Last evaluated: 2022-11-01. Review status: criteria provided, single submitter. Criteria: CeGaT Center For Human Genetics Tuebingen Variant Classification Criteria Version 2. Collection method: clinical testing. Allele origin: germline. Affected: yes. Observed: 1 variant allele.
Comment: ITGA10: BP4, BP7